The following is an entry in ClinVar:

NM_001367949.2(FAT3):c.8154A>C (p.Ala2718=)

Gene: FAT3 (FAT atypical cadherin 3; plus strand). Cytogenetic location: 11q14.3.
Variant type: single nucleotide variant.
Coding change: c.8154A>C on transcript NM_001367949.2 (MANE Select); coding-DNA position 8154, A replaced by C.
Protein change: p.Ala2718=; no amino-acid change (alanine 2718 retained).
Molecular consequence: synonymous variant.
Genome position (GRCh38, 1-based): chr11:92,801,167, A>C. VCF-style: chr11-92801167-A-C. GRCh37 (hg19) VCF-style: chr11-92534333-A-C.
Other names: c.8154A>C, p.Ala2718= (NM_001008781.3).
Identifiers: ClinVar variation 776646 (VCV000776646.7), dbSNP rs116657035, ClinGen allele CA6227575.

ClinVar aggregate classification (germline): Benign. Review status: criteria provided, multiple submitters, no conflicts (2 of 4 stars). 3 submissions from 3 submitters: Benign (2). 1 of the submissions does not count toward it. Last evaluated 2019-12-31.

Conditions:
FAT3-related disorder. Also called: FAT3-related condition.

Allele frequency attached by ClinVar (database versions not stated): gnomAD exomes 0.00380; ExAC 0.00455; 1000 Genomes Project 30x 0.01359; 1000 Genomes Project 0.01378; gnomAD 0.01468 and 0.01582; ESP Exome Variant Server 0.01607; TOPMed 0.01748.
gnomAD v4.1: 4,616 of 1,613,952 alleles (0.29%); highest among the groups gnomAD compares: African/African-American, 5.2%; 107 homozygotes.

Submissions (3):

Labcorp Genetics (formerly Invitae), Labcorp
Classification: Benign. Last evaluated: 2019-12-31. Review status: criteria provided, single submitter. Criteria: Invitae Variant Classification Sherloc (09022015). Collection method: clinical testing. Allele origin: germline.

Breakthrough Genomics
Classification: Benign. Review status: criteria provided, single submitter. Criteria: ACMG Guidelines, 2015. Collection method: not provided. Allele origin: germline. Inheritance: Unknown mechanism. Affected: yes.

PreventionGenetics, part of Exact Sciences
Classification: Benign for FAT3-related condition. Last evaluated: 2019-03-26. Review status: no assertion criteria provided. Collection method: clinical testing. Allele origin: germline. Not counted in ClinVar's aggregate classification.
Comment: This variant is classified as benign based on ACMG/AMP sequence variant interpretation guidelines (Richards et al. 2015 PMID: 25741868, with internal and published modifications).